The following is an entry in ClinVar:

ClinVar aggregate classification (germline): Conflicting classifications of pathogenicity. Review status: criteria provided, conflicting classifications (1 of 4 stars). 6 submissions from 6 submitters: Uncertain significance (1); Likely benign (4). 1 of the submissions does not count toward it. Last evaluated 2026-08-11.

Conditions:
DNAH5-related disorder. Also called: DNAH5-related condition.
Primary ciliary dyskinesia. Also called: Ciliary dyskinesia. Identifiers: Orphanet 244, MedGen C0008780, MONDO:0016575, HP:0012265.

Allele frequency attached by ClinVar (database versions not stated): TOPMed 0.00117; ESP Exome Variant Server 0.00131; gnomAD exomes 0.00009 and 0.00024; ExAC 0.00028; 1000 Genomes Project 30x 0.00062; 1000 Genomes Project 0.00080; gnomAD 0.00086.
gnomAD v4.1: 266 of 1,614,076 alleles (0.016%); highest among the groups gnomAD compares: African/African-American, 0.33%; no homozygotes.

Submissions (6):

PreventionGenetics, part of Exact Sciences
Classification: Likely benign for DNAH5-related condition. Last evaluated: 2026-08-11. Review status: criteria provided, single submitter. Criteria: ACMG Guidelines, 2015. Collection method: clinical testing. Allele origin: germline.
Comment: This variant is classified as likely benign based on ACMG/AMP sequence variant interpretation guidelines (Richards et al. 2015 PMID: 25741868, with internal and published modifications).

GeneDx
Classification: Uncertain significance. Last evaluated: 2026-08-05. Review status: criteria provided, single submitter. Criteria: GeneDx Variant Classification Process June 2021. Collection method: clinical testing. Allele origin: germline.
Comment: In silico analysis suggests that this missense variant does not alter protein structure/function; Has not been previously published as pathogenic or benign to our knowledge

Labcorp Genetics (formerly Invitae), Labcorp
Classification: Likely benign for Primary ciliary dyskinesia. Last evaluated: 2026-01-26. Review status: criteria provided, single submitter. Criteria: Invitae Variant Classification Sherloc (09022015). Collection method: clinical testing. Allele origin: germline.

Blueprint Genetics
Classification: Likely benign. Last evaluated: 2023-08-21. Review status: criteria provided, single submitter. Criteria: ACMG Guidelines, 2015. Collection method: clinical testing. Allele origin: germline.

Ambry Genetics
Classification: Likely benign for Primary ciliary dyskinesia. Last evaluated: 2021-07-30. Review status: criteria provided, single submitter. Criteria: Ambry Variant Classification Scheme 2023. Collection method: clinical testing. Allele origin: germline.

Natera, Inc.
Classification: Uncertain significance for Primary ciliary dyskinesia. Last evaluated: 2019-10-28. Review status: no assertion criteria provided. Collection method: clinical testing. Allele origin: germline. Not counted in ClinVar's aggregate classification.

NM_001369.3(DNAH5):c.8731A>G (p.Asn2911Asp)

Gene: DNAH5 (dynein axonemal heavy chain 5; minus strand). Cytogenetic location: 5p15.2.
Variant type: single nucleotide variant.
Coding change: c.8731A>G on transcript NM_001369.3 (MANE Select); coding-DNA position 8731, A replaced by G.
Protein change: p.Asn2911Asp; replaces asparagine 2911 with aspartic acid.
Molecular consequence: missense variant.
Genome position (GRCh38, 1-based): chr5:13,786,268, T>C on the plus strand (A>G on the coding strand, the complement: DNAH5 is on the minus strand). VCF-style: chr5-13786268-T-C. GRCh37 (hg19) VCF-style: chr5-13786377-T-C.
Other names: short protein forms N2911D.
Identifiers: ClinVar variation 426174 (VCV000426174.20), dbSNP rs142852982, ClinGen allele CA3202755.